The following is an entry in ClinVar:

ClinVar aggregate classification (germline): Uncertain significance. Review status: criteria provided, multiple submitters, no conflicts (2 of 4 stars). 2 submissions from 2 submitters: Uncertain significance (2). Last evaluated 2025-10-28.

Conditions:
Cardiovascular phenotype. Identifiers: MedGen CN230736.

Allele frequency attached by ClinVar (database versions not stated): TOPMed below 0.00001.
gnomAD v4.1: 13 of 1,602,826 alleles (0.00081%); highest among the groups gnomAD compares: Non-Finnish European, 0.0011%; no homozygotes.

Submissions (2):

Mayo Clinic Laboratories, Mayo Clinic
Classification: Uncertain significance. Last evaluated: 2025-10-28. Review status: criteria provided, single submitter. Criteria: ACMG Guidelines, 2015. Collection method: clinical testing. Allele origin: germline. Observed: 1 variant allele.
Comment: BP4_moderate, PM2_supporting

Ambry Genetics
Classification: Uncertain significance for Cardiovascular phenotype. Last evaluated: 2024-12-20. Review status: criteria provided, single submitter. Criteria: Ambry Variant Classification Scheme 2023. Collection method: clinical testing. Allele origin: germline.
Comment: The p.T835N variant (also known as c.2504C>A), located in coding exon 4 of the TNXB gene, results from a C to A substitution at nucleotide position 2504. The threonine at codon 835 is replaced by asparagine, an amino acid with similar properties. This amino acid position is conserved. In addition, this alteration is predicted to be tolerated by in silico analysis. Based on the available evidence, the clinical significance of this variant remains unclear.

NM_001365276.2(TNXB):c.2504C>A (p.Thr835Asn)

Gene: TNXB (tenascin XB; minus strand). Cytogenetic location: 6p21.33.
Variant type: single nucleotide variant.
Coding change: c.2504C>A on transcript NM_001365276.2 (MANE Select); coding-DNA position 2504, C replaced by A.
Protein change: p.Thr835Asn; replaces threonine 835 with asparagine.
Molecular consequence: missense variant.
Genome position (GRCh38, 1-based): chr6:32,089,234, G>T on the plus strand (C>A on the coding strand, the complement: TNXB is on the minus strand). VCF-style: chr6-32089234-G-T. GRCh37 (hg19) VCF-style: chr6-32057011-G-T.
Other names: p.Thr835Asn; c.2504C>A, p.Thr835Asn (NM_001428335.1, NM_019105.8); short protein forms T835N.
Identifiers: ClinVar variation 3180909 (VCV003180909.3), dbSNP rs1226434737, ClinGen allele CA363463011.